The following is an entry in ClinVar:

ClinVar aggregate classification (germline): Uncertain significance (1 of 4 stars; one submission).

Conditions:
Cardiovascular phenotype. Identifiers: MedGen CN230736.

Submission:

Ambry Genetics
Classification: Uncertain significance for Cardiovascular phenotype. Last evaluated: 2021-05-26. Review status: criteria provided, single submitter. Criteria: Ambry Variant Classification Scheme 2023. Collection method: clinical testing. Allele origin: germline.
Comment: The p.V390M variant (also known as c.1168G>A), located in coding exon 8 of the TBX5 gene, results from a G to A substitution at nucleotide position 1168. The valine at codon 390 is replaced by methionine, an amino acid with highly similar properties. This amino acid position is highly conserved in available vertebrate species. In addition, this alteration is predicted to be tolerated by in silico analysis. Since supporting evidence is limited at this time, the clinical significance of this alteration remains unclear.

NM_181486.4(TBX5):c.1168G>A (p.Val390Met)

Gene: TBX5 (T-box transcription factor 5; minus strand). Cytogenetic location: 12q24.21.
Variant type: single nucleotide variant.
Coding change: c.1168G>A on transcript NM_181486.4 (MANE Select); coding-DNA position 1168, G replaced by A.
Protein change: p.Val390Met; replaces valine 390 with methionine.
Molecular consequence: missense variant.
Genome position (GRCh38, 1-based): chr12:114,355,921, C>T on the plus strand (G>A on the coding strand, the complement: TBX5 is on the minus strand). VCF-style: chr12-114355921-C-T. GRCh37 (hg19) VCF-style: chr12-114793726-C-T.
Other names: c.1168G>A, p.Val390Met (NM_000192.3); c.1018G>A, p.Val340Met (NM_080717.4); short protein forms V340M, V390M.
Identifiers: ClinVar variation 1738755 (VCV001738755.2), dbSNP rs2540425245, ClinGen allele CA386925647.